The following is an entry in ClinVar:

ClinVar aggregate classification (germline): Uncertain significance (1 of 4 stars; one submission).

Conditions:
Fanconi anemia complementation group J. Also called: BRIP1-Related Fanconi Anemia. Identifiers: Orphanet 84, MedGen C1836860, MONDO:0012187, OMIM 609054.
Familial cancer of breast. Also called: BREAST CANCER, FAMILIAL; Hereditary breast cancer; hereditary breast carcinoma. Identifiers: Orphanet 227535, MedGen C0346153, MONDO:0016419, OMIM 114480. Disease mechanism: loss of function.

Submission:

Labcorp Genetics (formerly Invitae), Labcorp
Classification: Uncertain significance for Familial cancer of breast; Fanconi anemia complementation group J. Last evaluated: 2024-05-28. Review status: criteria provided, single submitter. Criteria: Invitae Variant Classification Sherloc (09022015). Collection method: clinical testing. Allele origin: germline.
Comment: This sequence change replaces isoleucine, which is neutral and non-polar, with serine, which is neutral and polar, at codon 868 of the BRIP1 protein (p.Ile868Ser). This variant is not present in population databases (gnomAD no frequency). This variant has not been reported in the literature in individuals affected with BRIP1-related conditions. Advanced modeling of protein sequence and biophysical properties (such as structural, functional, and spatial information, amino acid conservation, physicochemical variation, residue mobility, and thermodynamic stability) performed at Invitae indicates that this missense variant is not expected to disrupt BRIP1 protein function with a negative predictive value of 80%. In summary, the available evidence is currently insufficient to determine the role of this variant in disease. Therefore, it has been classified as a Variant of Uncertain Significance.

NM_032043.3(BRIP1):c.2603T>G (p.Ile868Ser)

Gene: BRIP1 (BRCA1 interacting DNA helicase 1; minus strand). Cytogenetic location: 17q23.2.
Variant type: single nucleotide variant.
Coding change: c.2603T>G on transcript NM_032043.3 (MANE Select); coding-DNA position 2603, T replaced by G.
Protein change: p.Ile868Ser; replaces isoleucine 868 with serine.
Molecular consequence: missense variant.
Genome position (GRCh38, 1-based): chr17:61,686,138, A>C on the plus strand (T>G on the coding strand, the complement: BRIP1 is on the minus strand). VCF-style: chr17-61686138-A-C. GRCh37 (hg19) VCF-style: chr17-59763499-A-C.
Other names: short protein forms I868S.
Identifiers: ClinVar variation 3753667 (VCV003753667.2).